The following is an entry in ClinVar:

ClinVar aggregate classification (germline): Uncertain significance (1 of 4 stars; one submission).

Conditions:
Cardiovascular phenotype. Identifiers: MedGen CN230736.

Submission:

Ambry Genetics
Classification: Uncertain significance for Cardiovascular phenotype. Last evaluated: 2019-05-22. Review status: criteria provided, single submitter. Criteria: Ambry Variant Classification Scheme 2023. Collection method: clinical testing. Allele origin: germline.
Comment: The p.S1165G variant (also known as c.3493A>G), located in coding exon 19 of the SCN10A gene, results from an A to G substitution at nucleotide position 3493. The serine at codon 1165 is replaced by glycine, an amino acid with similar properties. This amino acid position is highly conserved in available vertebrate species. In addition, this alteration is predicted to be deleterious by in silico analysis. Since supporting evidence is limited at this time, the clinical significance of this alteration remains unclear.

NM_006514.4(SCN10A):c.3493A>G (p.Ser1165Gly)

Genes: SCN10A (sodium voltage-gated channel alpha subunit 10; minus strand), LOC110121288 (VISTA enhancer hs2268; plus strand). Cytogenetic location: 3p22.2.
Variant type: single nucleotide variant.
Coding change: c.3493A>G on transcript NM_006514.4 (MANE Select); coding-DNA position 3493, A replaced by G.
Protein change: p.Ser1165Gly; replaces serine 1165 with glycine.
Molecular consequence: missense variant.
Genome position (GRCh38, 1-based): chr3:38,722,272, T>C on the plus strand (A>G on the coding strand, the complement: SCN10A is on the minus strand). VCF-style: chr3-38722272-T-C. GRCh37 (hg19) VCF-style: chr3-38763763-T-C.
Other names: c.3490A>G, p.Ser1164Gly (NM_001293306.2); c.3199A>G, p.Ser1067Gly (NM_001293307.2); short protein forms S1164G, S1067G, S1165G.
Identifiers: ClinVar variation 1731959 (VCV001731959.2), dbSNP rs2470646676, ClinGen allele CA352155174.